The following is an entry in ClinVar:

ClinVar aggregate classification (germline): Uncertain significance (1 of 4 stars; one submission).

Conditions:
Nephronophthisis 9 (NPHP9). Identifiers: Orphanet 655, MedGen C3151188, MONDO:0013444, OMIM 613824.

Allele frequency attached by ClinVar (database versions not stated): TOPMed below 0.00001; gnomAD 0.00001; ExAC 0.00005.
gnomAD v4.1: 36 of 1,613,662 alleles (0.0022%); highest among the groups gnomAD compares: South Asian, 0.034%; no homozygotes.

Submission:

Labcorp Genetics (formerly Invitae), Labcorp
Classification: Uncertain significance for Nephronophthisis 9. Last evaluated: 2022-08-09. Review status: criteria provided, single submitter. Criteria: Invitae Variant Classification Sherloc (09022015). Collection method: clinical testing. Allele origin: germline.
Comment: This sequence change replaces serine, which is neutral and polar, with threonine, which is neutral and polar, at codon 217 of the NEK8 protein (p.Ser217Thr). This variant is present in population databases (rs779777153, gnomAD 0.03%). This variant has not been reported in the literature in individuals affected with NEK8-related conditions. Algorithms developed to predict the effect of missense changes on protein structure and function are either unavailable or do not agree on the potential impact of this missense change (SIFT: "Deleterious"; PolyPhen-2: "Possibly Damaging"; Align-GVGD: "Class C0"). In summary, the available evidence is currently insufficient to determine the role of this variant in disease. Therefore, it has been classified as a Variant of Uncertain Significance.

NM_178170.3(NEK8):c.650G>C (p.Ser217Thr)

Gene: NEK8 (NIMA related kinase 8; plus strand). Cytogenetic location: 17q11.2.
Variant type: single nucleotide variant.
Coding change: c.650G>C on transcript NM_178170.3 (MANE Select); coding-DNA position 650, G replaced by C.
Protein change: p.Ser217Thr; replaces serine 217 with threonine.
Molecular consequence: missense variant.
Genome position (GRCh38, 1-based): chr17:28,737,337, G>C. VCF-style: chr17-28737337-G-C. GRCh37 (hg19) VCF-style: chr17-27064355-G-C.
Other names: short protein forms S217T.
Identifiers: ClinVar variation 2038661 (VCV002038661.1), dbSNP rs779777153, ClinGen allele CA8467144.